The following is an entry in ClinVar:

NM_016239.4(MYO15A):c.4142+6T>C

Gene: MYO15A (myosin XVA; plus strand). Cytogenetic location: 17p11.2.
Variant type: single nucleotide variant.
Coding change: c.4142+6T>C on transcript NM_016239.4 (MANE Select); 6 bases into the intron after coding-DNA position 4142, T replaced by C.
Molecular consequence: intron variant.
Genome position (GRCh38, 1-based): chr17:18,131,348, T>C. VCF-style: chr17-18131348-T-C. GRCh37 (hg19) VCF-style: chr17-18034662-T-C.
Identifiers: ClinVar variation 322140 (VCV000322140.14), dbSNP rs368090576, ClinGen allele CA8423770.
Genomic context (GRCh38, chr17:18,131,348, plus strand): 5'-TCAGGAACGACAACTCCAGCCGCTTTGGGAAGTTTGTGGAAATCTTTCTGGAAGGGTGAG[T>C]TGGGACAGTGGAGGGCCTCCCAAAAGCCTTGCAGTGTCTTCCATGTCCTGCCACAGCCCC-3'

ClinVar aggregate classification (germline): Uncertain significance. Review status: criteria provided, multiple submitters, no conflicts (2 of 4 stars). 5 submissions from 5 submitters: Uncertain significance (4). 1 of the submissions does not count toward it. Last evaluated 2024-10-14.

Conditions:
Autosomal recessive nonsyndromic hearing loss 3. Also called: NEUROSENSORY NONSYNDROMIC RECESSIVE DEAFNESS 3. Identifiers: Orphanet 90636, MedGen C1838263, MONDO:0010860, OMIM 600316.
MYO15A-related disorder. Also called: MYO15A-related condition.

Allele frequency attached by ClinVar (database versions not stated): ExAC 0.00017; gnomAD exomes 0.00018 and 0.00033; gnomAD 0.00023 and 0.00024; TOPMed 0.00024; ESP Exome Variant Server 0.00040.
gnomAD v4.1: 506 of 1,613,846 alleles (0.031%); highest among the groups gnomAD compares: Non-Finnish European, 0.042%; no homozygotes.

Submissions (5):

Blueprint Genetics
Classification: Uncertain significance. Last evaluated: 2024-10-14. Review status: criteria provided, single submitter. Criteria: ACMG Guidelines, 2015. Collection method: clinical testing. Allele origin: germline.

GeneDx
Classification: Uncertain significance. Last evaluated: 2024-03-25. Review status: criteria provided, single submitter. Criteria: GeneDx Variant Classification Process June 2021. Collection method: clinical testing. Allele origin: germline. Affected: yes.
Comment: In silico analysis supports that this variant does not alter splicing; Has not been previously published as pathogenic or benign in association with hearing loss to our knowledge; This variant is associated with the following publications: (PMID: 35133174)

Illumina Laboratory Services, Illumina
Classification: Uncertain significance for Autosomal recessive nonsyndromic hearing loss 3. Last evaluated: 2018-01-13. Review status: criteria provided, single submitter. Criteria: ICSL Variant Classification Criteria 13 December 2019. Collection method: clinical testing. Allele origin: germline.

Laboratory for Molecular Medicine, Mass General Brigham Personalized Medicine
Classification: Uncertain significance. Last evaluated: 2016-08-04. Review status: criteria provided, single submitter. Criteria: LMM Criteria. Collection method: clinical testing. Allele origin: germline. Observed: 1 variant allele.
Comment: The c.4142+6T>C variant in MYO15A has not been previously reported in individual s with hearing loss, but has been identified in 20/66696 European chromosomes by the Exome Aggregation Consortium (ExAC; dbSNP r s368090576). Although this variant has been seen in the general population, its frequency is not high enough to rule out a pathogenic role. The c.4142+6T>C vari ant is located in the 5' splice region. Computational tools do not suggest an im pact to splicing. However, this information is not predictive enough to rule out pathogenicity. In summary, the clinical significance of the c.4142+6T>C variant is uncertain.

PreventionGenetics, part of Exact Sciences
Classification: Likely benign for MYO15A-related condition. Last evaluated: 2020-05-14. Review status: no assertion criteria provided. Collection method: clinical testing. Allele origin: germline. Not counted in ClinVar's aggregate classification.
Comment: This variant is classified as likely benign based on ACMG/AMP sequence variant interpretation guidelines (Richards et al. 2015 PMID: 25741868, with internal and published modifications).